The following is an entry in ClinVar:

ClinVar aggregate classification (germline): Uncertain significance (1 of 4 stars; one submission).

Conditions:
Early-infantile DEE. Also called: Early infantile epileptic encephalopathy with suppression bursts; Early infantile epileptic encephalopathy; Ohtahara syndrome. Identifiers: Orphanet 1934, MedGen C0393706, MONDO:0800491.

Allele frequency attached by ClinVar (database versions not stated): gnomAD 0.00001.
gnomAD v4.1: 4 of 1,613,870 alleles (0.00025%); highest among the groups gnomAD compares: Non-Finnish European, 0.00034%; no homozygotes.

Submission:

Labcorp Genetics (formerly Invitae), Labcorp
Classification: Uncertain significance for Early-infantile DEE. Last evaluated: 2022-07-22. Review status: criteria provided, single submitter. Criteria: Invitae Variant Classification Sherloc (09022015). Collection method: clinical testing. Allele origin: germline.
Comment: This variant has not been reported in the literature in individuals affected with KCNH5-related conditions. Advanced modeling of protein sequence and biophysical properties (such as structural, functional, and spatial information, amino acid conservation, physicochemical variation, residue mobility, and thermodynamic stability) performed at Invitae indicates that this missense variant is not expected to disrupt KCNH5 protein function. In summary, the available evidence is currently insufficient to determine the role of this variant in disease. Therefore, it has been classified as a Variant of Uncertain Significance. This variant is present in population databases (no rsID available, gnomAD 0.002%). This sequence change replaces threonine, which is neutral and polar, with alanine, which is neutral and non-polar, at codon 382 of the KCNH5 protein (p.Thr382Ala).

NM_139318.5(KCNH5):c.1144A>G (p.Thr382Ala)

Gene: KCNH5 (potassium voltage-gated channel subfamily H member 5; minus strand). Cytogenetic location: 14q23.2.
Variant type: single nucleotide variant.
Coding change: c.1144A>G on transcript NM_139318.5 (MANE Select); coding-DNA position 1144, A replaced by G.
Protein change: p.Thr382Ala; replaces threonine 382 with alanine.
Molecular consequence: missense variant.
Genome position (GRCh38, 1-based): chr14:62,950,358, T>C on the plus strand (A>G on the coding strand, the complement: KCNH5 is on the minus strand). VCF-style: chr14-62950358-T-C. GRCh37 (hg19) VCF-style: chr14-63417076-T-C.
Other names: c.1144A>G, p.Thr382Ala (NM_172375.3); short protein forms T382A.
Identifiers: ClinVar variation 1713337 (VCV001713337.5), dbSNP rs1271963536, ClinGen allele CA390103170.
Genomic context (GRCh38, chr14:62,950,358, plus strand): 5'-AGCGATATGGAGTCCCAATGCTCAAAGCCAGCTGGTAGAGCCAACTGTCTATTTGGATGG[T>C]GTTAGTGACTTCATCAATGACCTCGTAGTCTCCGATGCTATACCATATGCAGGCCAGCCA-3'
Protein context (NP_647479.2, residues 372-392): DYEVIDEVTN[Thr382Ala]IQIDSWLYQL